The following is an entry in ClinVar:

ClinVar aggregate classification (germline): Likely benign. Review status: criteria provided, multiple submitters, no conflicts (2 of 4 stars). 3 submissions from 3 submitters: Likely benign (2). 1 of the submissions does not count toward it. Last evaluated 2024-10-16.

Conditions:
Inborn genetic diseases. Identifiers: MedGen C0950123, MeSH D030342.

Allele frequency attached by ClinVar (database versions not stated): ExAC 0.00004; gnomAD exomes 0.00004 and 0.00005; gnomAD 0.00005; TOPMed 0.00005; ESP Exome Variant Server 0.00025.
gnomAD v4.1: 82 of 1,614,044 alleles (0.0051%); highest among the groups gnomAD compares: Middle Eastern, 0.016%; no homozygotes.

Submissions (3):

Labcorp Genetics (formerly Invitae), Labcorp
Classification: Likely benign. Last evaluated: 2024-10-16. Review status: criteria provided, single submitter. Criteria: Invitae Variant Classification Sherloc (09022015). Collection method: clinical testing. Allele origin: germline.

Ambry Genetics
Classification: Likely benign for Inborn genetic diseases. Last evaluated: 2023-06-07. Review status: criteria provided, single submitter. Criteria: Ambry Variant Classification Scheme 2023. Collection method: clinical testing. Allele origin: germline.

Department of Pathology and Laboratory Medicine, Sinai Health System
Classification: Uncertain significance. Review status: no assertion criteria provided. Collection method: clinical testing. Allele origin: unknown. Affected: yes. Study: The Canadian Open Genetics Repository (COGR). Not counted in ClinVar's aggregate classification.
Comment: The HIVEP2 p.Asn1949Ser variant was not identified in the literature nor was it identified in ClinVar, Cosmic or LOVD 3.0. The variant was identified in dbSNP (ID: rs376423805) and in control databases in 12 of 280890 chromosomes at a frequency of 0.000043 (Genome Aggregation Database Feb 27, 2017). The variant was observed in the following populations: European (non-Finnish) in 10 of 128682 chromosomes (freq: 0.000078) and Latino in 2 of 35368 chromosomes (freq: 0.000057), while the variant was not observed in the African, Ashkenazi Jewish, East Asian, European (Finnish), Other or South Asian populations. The p.Asn1949 residue is conserved in mammals but not in more distantly related organisms however four out of five computational analyses (PolyPhen-2, SIFT, AlignGVGD, BLOSUM) do not suggest a high likelihood of impact to the protein; this information is not predictive enough to rule out pathogenicity. Although the variant occurs outside of the splicing consensus sequence, 4 of 4 in silico or computational prediction software programs (SpliceSiteFinder, MaxEntScan, NNSPLICE, GeneSplicer) predict a greater than 10% difference in splicing and the creation of a new 5' splice site. However, this information is not predictive enough to assume pathogenicity. In summary, based on the above information the clinical significance of this variant cannot be determined with certainty at this time. This variant is classified as a variant of uncertain significance.

NM_006734.4(HIVEP2):c.5846A>G (p.Asn1949Ser)

Gene: HIVEP2 (HIVEP zinc finger 2; minus strand). Cytogenetic location: 6q24.2.
Variant type: single nucleotide variant.
Coding change: c.5846A>G on transcript NM_006734.4 (MANE Select); coding-DNA position 5846, A replaced by G.
Protein change: p.Asn1949Ser; replaces asparagine 1949 with serine.
Molecular consequence: missense variant.
Genome position (GRCh38, 1-based): chr6:142,760,442, T>C on the plus strand (A>G on the coding strand, the complement: HIVEP2 is on the minus strand). VCF-style: chr6-142760442-T-C. GRCh37 (hg19) VCF-style: chr6-143081579-T-C.
Other names: c.5846A>G (NM_006734.3); short protein forms N1949S.
Identifiers: ClinVar variation 1050674 (VCV001050674.7), dbSNP rs376423805, ClinGen allele CA4027798.